The following is an entry in ClinVar:

NM_001364905.1(LRBA):c.664A>G (p.Ile222Val)

Gene: LRBA (LPS responsive beige-like anchor protein; minus strand). Cytogenetic location: 4q31.3.
Variant type: single nucleotide variant.
Coding change: c.664A>G on transcript NM_001364905.1 (MANE Select); coding-DNA position 664, A replaced by G.
Protein change: p.Ile222Val; replaces isoleucine 222 with valine.
Molecular consequence: missense variant.
Genome position (GRCh38, 1-based): chr4:150,916,720, T>C on the plus strand (A>G on the coding strand, the complement: LRBA is on the minus strand). VCF-style: chr4-150916720-T-C. GRCh37 (hg19) VCF-style: chr4-151837872-T-C.
Other names: c.664A>G, p.Ile222Val (NM_001199282.3, NM_001367550.1, NM_006726.5); short protein forms I222V.
Identifiers: ClinVar variation 960295 (VCV000960295.8), dbSNP rs777489371, ClinGen allele CA3103790.

ClinVar aggregate classification (germline): Uncertain significance. Review status: criteria provided, multiple submitters, no conflicts (2 of 4 stars). 2 submissions from 2 submitters: Uncertain significance (2). Last evaluated 2023-07-12.

Conditions:
Combined immunodeficiency due to LRBA deficiency. Also called: Common variable immunodeficiency 8, with autoimmunity. Identifiers: Orphanet 445018, MedGen C3553512, MONDO:0013863, OMIM 614700.
Inborn genetic diseases. Identifiers: MedGen C0950123, MeSH D030342.

Allele frequency attached by ClinVar (database versions not stated): gnomAD 0.00001; ExAC 0.00002; gnomAD exomes 0.00002 and 0.00003; TOPMed 0.00003.
gnomAD v4.1: 47 of 1,572,354 alleles (0.003%); highest among the groups gnomAD compares: Admixed American, 0.006%; no homozygotes.

Submissions (2):

Ambry Genetics
Classification: Uncertain significance for Inborn genetic diseases. Last evaluated: 2023-07-12. Review status: criteria provided, single submitter. Criteria: Ambry Variant Classification Scheme 2023. Collection method: clinical testing. Allele origin: germline.

Labcorp Genetics (formerly Invitae), Labcorp
Classification: Uncertain significance for Combined immunodeficiency due to LRBA deficiency. Last evaluated: 2022-09-07. Review status: criteria provided, single submitter. Criteria: Invitae Variant Classification Sherloc (09022015). Collection method: clinical testing. Allele origin: germline.
Comment: This sequence change replaces isoleucine, which is neutral and non-polar, with valine, which is neutral and non-polar, at codon 222 of the LRBA protein (p.Ile222Val). This variant is present in population databases (rs777489371, gnomAD 0.004%). This variant has not been reported in the literature in individuals affected with LRBA-related conditions. ClinVar contains an entry for this variant (Variation ID: 960295). Algorithms developed to predict the effect of missense changes on protein structure and function output the following: SIFT: "Tolerated"; PolyPhen-2: "Benign"; Align-GVGD: "Class C0". The valine amino acid residue is found in multiple mammalian species, which suggests that this missense change does not adversely affect protein function. In summary, the available evidence is currently insufficient to determine the role of this variant in disease. Therefore, it has been classified as a Variant of Uncertain Significance.